The following is an entry in ClinVar:

ClinVar aggregate classification (germline): Likely benign. Review status: criteria provided, single submitter (1 of 4 stars). 2 submissions from 2 submitters: Likely benign (1). 1 of the submissions does not count toward it. Last evaluated 2025-11-17.

Conditions:
WRN-related disorder. Also called: WRN-related condition.
Werner syndrome (WRN). Identifiers: Orphanet 902, MedGen C0043119, MONDO:0010196, OMIM 277700.

Allele frequency attached by ClinVar (database versions not stated): gnomAD 0.00001 and 0.00002; ExAC 0.00003; gnomAD exomes 0.00003.
gnomAD v4.1: 53 of 1,604,584 alleles (0.0033%); highest among the groups gnomAD compares: South Asian, 0.0055%; no homozygotes.

Submissions (2):

Labcorp Genetics (formerly Invitae), Labcorp
Classification: Likely benign for Werner syndrome. Last evaluated: 2025-11-17. Review status: criteria provided, single submitter. Criteria: Invitae Variant Classification Sherloc (09022015). Collection method: clinical testing. Allele origin: germline.

PreventionGenetics, part of Exact Sciences
Classification: Likely benign for WRN-related condition. Last evaluated: 2023-06-19. Review status: no assertion criteria provided. Collection method: clinical testing. Allele origin: germline. Not counted in ClinVar's aggregate classification.
Comment: This variant is classified as likely benign based on ACMG/AMP sequence variant interpretation guidelines (Richards et al. 2015 PMID: 25741868, with internal and published modifications).

NM_000553.6(WRN):c.1920C>T (p.Tyr640=)

Gene: WRN (WRN RecQ like helicase; plus strand). Cytogenetic location: 8p12.
Variant type: single nucleotide variant.
Coding change: c.1920C>T on transcript NM_000553.6 (MANE Select); coding-DNA position 1920, C replaced by T.
Protein change: p.Tyr640=; no amino-acid change (tyrosine 640 retained).
Molecular consequence: synonymous variant.
Genome position (GRCh38, 1-based): chr8:31,096,789, C>T. VCF-style: chr8-31096789-C-T. GRCh37 (hg19) VCF-style: chr8-30954305-C-T.
Identifiers: ClinVar variation 412715 (VCV000412715.12), dbSNP rs765756226, ClinGen allele CA4704567.